The following is an entry in ClinVar:

ClinVar aggregate classification (germline): Uncertain significance (1 of 4 stars; one submission).

Submission:

CeGaT Center for Human Genetics Tuebingen
Classification: Uncertain significance. Last evaluated: 2026-04-01. Review status: criteria provided, single submitter. Criteria: CeGaT Center For Human Genetics Tuebingen Variant Classification Criteria Version 2. Collection method: clinical testing. Allele origin: germline. Affected: yes. Observed: 1 variant allele.
Comment: WNK3: PM2, BP4

NM_020922.5(WNK3):c.4439C>T (p.Ala1480Val)

Gene: WNK3 (WNK lysine deficient protein kinase 3; minus strand). Cytogenetic location: Xp11.22.
Variant type: single nucleotide variant.
Coding change: c.4439C>T on transcript NM_020922.5 (MANE Select); coding-DNA position 4439, C replaced by T.
Protein change: p.Ala1480Val; replaces alanine 1480 with valine.
Molecular consequence: missense variant.
Genome position (GRCh38, 1-based): chrX:54,237,127, G>A on the plus strand (C>T on the coding strand, the complement: WNK3 is on the minus strand). VCF-style: chrX-54237127-G-A. GRCh37 (hg19) VCF-style: chrX-54263560-G-A.
Other names: c.4298C>T, p.Ala1433Val (NM_001002838.4, NM_001395166.1); short protein forms A1433V, A1480V.
Identifiers: ClinVar variation 4874820 (VCV004874820.2).